The following is an entry in ClinVar:

NM_003412.4(ZIC1):c.431C>T (p.Pro144Leu)

Gene: ZIC1 (Zic family zinc finger 1; plus strand). Cytogenetic location: 3q24.
Variant type: single nucleotide variant.
Coding change: c.431C>T on transcript NM_003412.4 (MANE Select); coding-DNA position 431, C replaced by T.
Protein change: p.Pro144Leu; replaces proline 144 with leucine.
Molecular consequence: missense variant.
Genome position (GRCh38, 1-based): chr3:147,410,543, C>T. VCF-style: chr3-147410543-C-T. GRCh37 (hg19) VCF-style: chr3-147128330-C-T.
Other names: short protein forms P144L.
Identifiers: ClinVar variation 1315171 (VCV001315171.3), dbSNP rs2107992941, ClinGen allele CA354896678.

ClinVar aggregate classification (germline): Uncertain significance (1 of 4 stars; one submission).

Submission:

GeneDx
Classification: Uncertain significance. Last evaluated: 2025-07-02. Review status: criteria provided, single submitter. Criteria: GeneDx Variant Classification Process June 2021. Collection method: clinical testing. Allele origin: germline. Affected: yes.
Comment: Not observed at significant frequency in large population cohorts (gnomAD); In silico analysis supports that this missense variant has a deleterious effect on protein structure/function; Has not been previously published as pathogenic or benign to our knowledge; This variant is associated with the following publications: (PMID: 38712034)